The following is an entry in ClinVar:

ClinVar aggregate classification (germline): Uncertain significance. Review status: criteria provided, multiple submitters, no conflicts (2 of 4 stars). 2 submissions from 2 submitters: Uncertain significance (2). Last evaluated 2025-07-14.

Conditions:
Familial focal epilepsy with variable foci (FPEVF). Identifiers: Orphanet 98820, MedGen C1858477, MONDO:0020310.

Allele frequency attached by ClinVar (database versions not stated): ExAC 0.00001; gnomAD 0.00001.
gnomAD v4.1: 1 of 1,613,758 alleles (0.000062%); highest among the groups gnomAD compares: Non-Finnish European, 0.000085%; no homozygotes.

Submissions (2):

Labcorp Genetics (formerly Invitae), Labcorp
Classification: Uncertain significance for Familial focal epilepsy with variable foci. Last evaluated: 2025-07-14. Review status: criteria provided, single submitter. Criteria: Invitae Variant Classification Sherloc (09022015). Collection method: clinical testing. Allele origin: germline.
Comment: This sequence change replaces threonine, which is neutral and polar, with isoleucine, which is neutral and non-polar, at codon 1364 of the DEPDC5 protein (p.Thr1364Ile). This variant is not present in population databases (gnomAD no frequency). This variant has not been reported in the literature in individuals affected with DEPDC5-related conditions. ClinVar contains an entry for this variant (Variation ID: 2574722). Experimental studies and prediction algorithms are not available or were not evaluated, and the functional significance of this variant is currently unknown. In summary, the available evidence is currently insufficient to determine the role of this variant in disease. Therefore, it has been classified as a Variant of Uncertain Significance.

GeneDx
Classification: Uncertain significance. Last evaluated: 2023-08-04. Review status: criteria provided, single submitter. Criteria: GeneDx Variant Classification Process June 2021. Collection method: clinical testing. Allele origin: germline. Affected: yes.
Comment: Not observed at significant frequency in large population cohorts (gnomAD); In silico analysis supports that this missense variant has a deleterious effect on protein structure/function; Has not been previously published as pathogenic or benign to our knowledge

NM_001242896.3(DEPDC5):c.4091C>T (p.Thr1364Ile)

Gene: DEPDC5 (DEP domain containing 5, GATOR1 subcomplex subunit; plus strand). Cytogenetic location: 22q12.3.
Variant type: single nucleotide variant.
Coding change: c.4091C>T on transcript NM_001242896.3 (MANE Select); coding-DNA position 4091, C replaced by T.
Protein change: p.Thr1364Ile; replaces threonine 1364 with isoleucine.
Molecular consequence: missense variant. On other transcripts: non-coding transcript variant (5).
Genome position (GRCh38, 1-based): chr22:31,893,639, C>T. VCF-style: chr22-31893639-C-T. GRCh37 (hg19) VCF-style: chr22-32289625-C-T.
Other names: c.4064C>T, p.Thr1355Ile (NM_001136029.4); c.3791C>T, p.Thr1264Ile (NM_001242897.2); c.4025C>T, p.Thr1342Ile (NM_001363852.2, NM_001364320.2); c.3857C>T, p.Thr1286Ile (NM_001363854.2, NM_001364319.2); c.4091C>T, p.Thr1364Ile (NM_001364318.2); c.4007C>T, p.Thr1336Ile (NM_001369901.1, NM_001369902.1); c.3998C>T, p.Thr1333Ile (NM_001369903.1, NM_014662.6); short protein forms T1264I, T1286I, T1333I, T1336I, T1342I, T1355I, T1364I.
Identifiers: ClinVar variation 2574722 (VCV002574722.4), dbSNP rs768259642, ClinGen allele CA10197175.